The following is an entry in ClinVar:

ClinVar aggregate classification (germline): Uncertain significance (1 of 4 stars; one submission).

Submission:

ISCA site 4
Classification: Uncertain significance. Last evaluated: 2011-08-12. Review status: criteria provided, single submitter. Criteria: Kaminsky et al. (Genet Med. 2011). Collection method: clinical testing. Allele origin: unknown. Affected: yes. Observed: 1 variant allele.
Comment: Copy number variation identified through the course of routine clinical cytogenomic testing in postnatal populations. Clinical assertions have been curated as described in Kaminsky et al. 2011.

GRCh38/hg38 8q23.1(chr8:106784262-107356237)x3

Genes: ANGPT1 (angiopoietin 1; minus strand), LOC126860472 (MED14-independent group 3 enhancer GRCh37_chr8:108116572-108117771; plus strand), LOC129390036 (MPRA-validated peak7140 silencer; plus strand), LOC129390037 (MPRA-validated peak7142 silencer; plus strand). Cytogenetic location: 8q23.1.
Variant type: copy number gain.
Change: copy number 3 (three copies instead of two) of chr8:106,784,262-107,356,237 (572.0 kb, GRCh38 coordinates, 1-based), cytogenetic band 8q23.1.
Identifiers: ClinVar variation 57141 (VCV000057141.1).